The following is an entry in ClinVar:

NM_016247.4(IMPG2):c.796C>T (p.His266Tyr)

Gene: IMPG2 (interphotoreceptor matrix proteoglycan 2; minus strand). Cytogenetic location: 3q12.3.
Variant type: single nucleotide variant.
Coding change: c.796C>T on transcript NM_016247.4 (MANE Select); coding-DNA position 796, C replaced by T.
Protein change: p.His266Tyr; replaces histidine 266 with tyrosine.
Molecular consequence: missense variant.
Genome position (GRCh38, 1-based): chr3:101,273,613, G>A on the plus strand (C>T on the coding strand, the complement: IMPG2 is on the minus strand). VCF-style: chr3-101273613-G-A. GRCh37 (hg19) VCF-style: chr3-100992457-G-A.
Other names: c.796C>T (NM_016247.3); short protein forms H266Y.
Identifiers: ClinVar variation 1927446 (VCV001927446.7), dbSNP rs779927936, ClinGen allele CA2519385.

ClinVar aggregate classification (germline): Uncertain significance. Review status: criteria provided, multiple submitters, no conflicts (2 of 4 stars). 3 submissions from 3 submitters: Uncertain significance (3). Last evaluated 2025-08-23.

Conditions:
Inborn genetic diseases. Identifiers: MedGen C0950123, MeSH D030342.

Allele frequency attached by ClinVar (database versions not stated): ExAC 0.00001; gnomAD exomes 0.00001.
gnomAD v4.1: 3 of 1,613,974 alleles (0.00019%); highest among the groups gnomAD compares: Admixed American, 0.005%; no homozygotes.

Submissions (3):

Ambry Genetics
Classification: Uncertain significance for Inborn genetic diseases. Last evaluated: 2025-08-23. Review status: criteria provided, single submitter. Criteria: Ambry Variant Classification Scheme 2023. Collection method: clinical testing. Allele origin: germline.

Blueprint Genetics
Classification: Uncertain significance. Last evaluated: 2024-08-05. Review status: criteria provided, single submitter. Criteria: ACMG Guidelines, 2015. Collection method: clinical testing. Allele origin: germline.

Labcorp Genetics (formerly Invitae), Labcorp
Classification: Uncertain significance. Last evaluated: 2022-04-22. Review status: criteria provided, single submitter. Criteria: Invitae Variant Classification Sherloc (09022015). Collection method: clinical testing. Allele origin: germline.
Comment: In summary, the available evidence is currently insufficient to determine the role of this variant in disease. Therefore, it has been classified as a Variant of Uncertain Significance. Algorithms developed to predict the effect of missense changes on protein structure and function output the following: SIFT: "Tolerated"; PolyPhen-2: "Benign"; Align-GVGD: "Class C0". The tyrosine amino acid residue is found in multiple mammalian species, which suggests that this missense change does not adversely affect protein function. This variant has not been reported in the literature in individuals affected with IMPG2-related conditions. This variant is present in population databases (rs779927936, gnomAD 0.003%). This sequence change replaces histidine, which is basic and polar, with tyrosine, which is neutral and polar, at codon 266 of the IMPG2 protein (p.His266Tyr).